The following is an entry in ClinVar:

NM_001349253.2(SCN11A):c.629A>G (p.Tyr210Cys)

Gene: SCN11A (sodium voltage-gated channel alpha subunit 11; minus strand). Cytogenetic location: 3p22.2.
Variant type: single nucleotide variant.
Coding change: c.629A>G on transcript NM_001349253.2 (MANE Select); coding-DNA position 629, A replaced by G.
Protein change: p.Tyr210Cys; replaces tyrosine 210 with cysteine.
Molecular consequence: missense variant.
Genome position (GRCh38, 1-based): chr3:38,925,498, T>C on the plus strand (A>G on the coding strand, the complement: SCN11A is on the minus strand). VCF-style: chr3-38925498-T-C. GRCh37 (hg19) VCF-style: chr3-38966989-T-C.
Other names: c.629A>G, p.Tyr210Cys (NM_014139.3); short protein forms Y210C.
Identifiers: ClinVar variation 2952832 (VCV002952832.3), dbSNP rs757928572, ClinGen allele CA2322557.

ClinVar aggregate classification (germline): Uncertain significance (1 of 4 stars; one submission).

Conditions:
Hereditary sensory and autonomic neuropathy type 7. Also called: HSAN VII; Neuropathy, hereditary sensory and autonomic, type VII. Identifiers: Orphanet 391397, MedGen C3809882, MONDO:0014244, OMIM 615548.
Familial episodic pain syndrome with predominantly lower limb involvement. Also called: Episodic pain syndrome, familial, 3. Identifiers: Orphanet 391384, Orphanet 391392, MedGen C3809899, MONDO:0014247, OMIM 615552.

Allele frequency attached by ClinVar (database versions not stated): gnomAD exomes below 0.00001; ExAC 0.00001.
gnomAD v4.1: 3 of 1,611,644 alleles (0.00019%); highest among the groups gnomAD compares: South Asian, 0.0011%; no homozygotes.

Submission:

Labcorp Genetics (formerly Invitae), Labcorp
Classification: Uncertain significance for Familial episodic pain syndrome with predominantly lower limb involvement; Hereditary sensory and autonomic neuropathy type 7. Last evaluated: 2025-09-15. Review status: criteria provided, single submitter. Criteria: Invitae Variant Classification Sherloc (09022015). Collection method: clinical testing. Allele origin: germline.
Comment: This sequence change replaces tyrosine, which is neutral and polar, with cysteine, which is neutral and slightly polar, at codon 210 of the SCN11A protein (p.Tyr210Cys). This variant is present in population databases (rs757928572, gnomAD 0.003%). This variant has not been reported in the literature in individuals affected with SCN11A-related conditions. ClinVar contains an entry for this variant (Variation ID: 2952832). An algorithm developed to predict the effect of missense changes on protein structure and function outputs the following: PolyPhen-2: "Benign". The cysteine amino acid residue is found in multiple mammalian species, which suggests that this missense change does not adversely affect protein function. In summary, the available evidence is currently insufficient to determine the role of this variant in disease. Therefore, it has been classified as a Variant of Uncertain Significance.